The following is an entry in ClinVar:

ClinVar aggregate classification (germline): Pathogenic (1 of 4 stars; one submission).

Submission:

Labcorp Genetics (formerly Invitae), Labcorp
Classification: Pathogenic. Last evaluated: 2022-07-05. Review status: criteria provided, single submitter. Criteria: Invitae Variant Classification Sherloc (09022015). Collection method: clinical testing. Allele origin: germline.
Comment: This sequence change creates a premature translational stop signal (p.Val315Glufs*32) in the GPNMB gene. It is expected to result in an absent or disrupted protein product. Loss-of-function variants in GPNMB are known to be pathogenic (PMID: 29336782). This variant is present in population databases (rs761169411, gnomAD 0.002%). This variant has not been reported in the literature in individuals affected with GPNMB-related conditions. For these reasons, this variant has been classified as Pathogenic.

Literature cited by the submitters: PubMed 29336782.

NM_002510.3(GPNMB):c.944_945del (p.Val315fs)

Gene: GPNMB (glycoprotein nmb; plus strand). Cytogenetic location: 7p15.3.
Variant type: Microsatellite.
Coding change: c.944_945del on transcript NM_002510.3 (MANE Select); coding-DNA positions 944 to 945, 2 bases deleted (TG; older notation c.944_945delTG).
Protein change: p.Val315fs; shifts the reading frame from valine 315.
Molecular consequence: frameshift variant.
Genome position (GRCh38, 1-based): chr7:23,260,699-23,260,700, TG deleted; deleting any 2 consecutive bases within chr7:23,260,697-23,260,700 gives the same sequence; the c. name uses the placement nearest the transcript's 3' end. VCF-style (leftmost placement, unchanged base first): chr7-23260696-CTG-C. GRCh37 (hg19) VCF-style: chr7-23300315-CTG-C.
Other names: c.944_945del, p.Val315fs (NM_001005340.2); short protein forms V315fs.
Identifiers: ClinVar variation 2067769 (VCV002067769.1), dbSNP rs761169411, ClinGen allele CA4187562.